The following is an entry in ClinVar:

ClinVar aggregate classification (germline): Uncertain significance (1 of 4 stars; one submission).

Conditions:
Epidermolysis bullosa simplex with nail dystrophy (EBS5D). Identifiers: MedGen C4225309, MONDO:0014661, OMIM 616487.
Epidermolysis bullosa simplex, Ogna type (EBS5A). Also called: EPIDERMOLYSIS BULLOSA SIMPLEX 5A, OGNA TYPE; Pidermolysis bullosa simplex 5A, Ogna type. Identifiers: Orphanet 79401, MedGen C0432317, MONDO:0007555, OMIM 131950.
Autosomal recessive limb-girdle muscular dystrophy type 2Q (LGMDR17). Also called: MUSCULAR DYSTROPHY, LIMB-GIRDLE, AUTOSOMAL RECESSIVE 17. Identifiers: Orphanet 254361, MedGen C3150989, MONDO:0013390, OMIM 613723.
Epidermolysis bullosa simplex 5B, with muscular dystrophy (EBS5B). Also called: EPIDERMOLYSIS BULLOSA SIMPLEX AND LIMB-GIRDLE MUSCULAR DYSTROPHY; Epidermolysis bullosa simplex with muscular dystrophy. Identifiers: Orphanet 257, MedGen C2931072, MONDO:0009181, OMIM 226670.
Epidermolysis bullosa simplex 5C, with pyloric atresia (EBS5C). Also called: PLEC-Related Epidermolysis Bullosa with Pyloric Atresia; Epidermolysis bullosa simplex with pyloric atresia; PLEC1-Related Epidermolysis Bullosa with Pyloric Atresia. Identifiers: Orphanet 158684, MedGen C2677349, MONDO:0012807, OMIM 612138.

gnomAD v4.1: 1 of 1,597,274 alleles (0.000063%); highest among the groups gnomAD compares: Non-Finnish European, 0.000085%; no homozygotes.

Submission:

Labcorp Genetics (formerly Invitae), Labcorp
Classification: Uncertain significance for Autosomal recessive limb-girdle muscular dystrophy type 2Q; Epidermolysis bullosa simplex, Ogna type; Epidermolysis bullosa simplex with nail dystrophy; Epidermolysis bullosa simplex 5C, with pyloric atresia; Epidermolysis bullosa simplex 5B, with muscular dystrophy. Last evaluated: 2025-11-13. Review status: criteria provided, single submitter. Criteria: Invitae Variant Classification Sherloc (09022015). Collection method: clinical testing. Allele origin: germline.
Comment: This sequence change replaces aspartic acid, which is acidic and polar, with glycine, which is neutral and non-polar, at codon 1984 of the PLEC protein (p.Asp1984Gly). This variant is not present in population databases (gnomAD no frequency). This variant has not been reported in the literature in individuals affected with PLEC-related conditions. Experimental studies and prediction algorithms are not available or were not evaluated, and the functional significance of this variant is currently unknown. In summary, the available evidence is currently insufficient to determine the role of this variant in disease. Therefore, it has been classified as a Variant of Uncertain Significance.

NM_201384.3(PLEC):c.5870A>G (p.Asp1957Gly)

Gene: PLEC (plectin; minus strand). Cytogenetic location: 8q24.3.
Variant type: single nucleotide variant.
Coding change: c.5870A>G on transcript NM_201384.3 (MANE Select); coding-DNA position 5870, A replaced by G.
Protein change: p.Asp1957Gly; replaces aspartic acid 1957 with glycine.
Molecular consequence: missense variant. On other transcripts: intron variant (1).
Genome position (GRCh38, 1-based): chr8:143,924,059, T>C on the plus strand (A>G on the coding strand, the complement: PLEC is on the minus strand). VCF-style: chr8-143924059-T-C. GRCh37 (hg19) VCF-style: chr8-144998227-T-C.
Other names: c.5951A>G, p.Asp1984Gly (NM_000445.5); c.5828A>G, p.Asp1943Gly (NM_201378.4); c.5804A>G, p.Asp1935Gly (NM_201379.3); c.6281A>G, p.Asp2094Gly (NM_201380.4); c.5774A>G, p.Asp1925Gly (NM_201381.3); c.5870A>G, p.Asp1957Gly (NM_201382.4); c.5882A>G, p.Asp1961Gly (NM_201383.3); c.4126-1664A>G (NM_001410941.1); short protein forms D1943G, D1984G, D2094G, D1961G, D1935G, D1957G, D1925G.
Identifiers: ClinVar variation 4792437 (VCV004792437.1).
Genomic context (GRCh38, chr8:143,924,059, plus strand): 5'-GCCGCCAGCTGCCGCTGCCTCGCAGCCTCCAGCTCGGCCTGCTCCTTGCTGCGCAGCGTG[T>C]CCTCCGCGTTGCTGCGGATGCGTCCCAGCTCCAGCTCCAGCTCCGCCTTGCCAGCGGCCG-3'
Protein context (NP_958786.1, residues 1947-1967): ELGRIRSNAE[Asp1957Gly]TLRSKEQAEL